The following is an entry in ClinVar:

NM_006642.5(SDCCAG8):c.1691A>G (p.Glu564Gly)

Gene: SDCCAG8 (SHH signaling and ciliogenesis regulator SDCCAG8; plus strand). Cytogenetic location: 1q43.
Variant type: single nucleotide variant.
Coding change: c.1691A>G on transcript NM_006642.5 (MANE Select); coding-DNA position 1691, A replaced by G.
Protein change: p.Glu564Gly; replaces glutamic acid 564 with glycine.
Molecular consequence: missense variant.
Genome position (GRCh38, 1-based): chr1:243,415,776, A>G. VCF-style: chr1-243415776-A-G. GRCh37 (hg19) VCF-style: chr1-243579078-A-G.
Other names: c.788A>G, p.Glu263Gly (NM_001350246.2, NM_001350247.2, NM_001350251.2); c.1787A>G, p.Glu596Gly (NM_001350248.2); c.1397A>G, p.Glu466Gly (NM_001350249.2); short protein forms E466G, E263G, E564G, E596G.
Identifiers: ClinVar variation 2929952 (VCV002929952.3), dbSNP rs762947754, ClinGen allele CA1483706.
Genomic context (GRCh38, chr1:243,415,776, plus strand): 5'-GCATTCAGCAGAGCTTTAGCAAGGAAGCAAAGGCCCAAGCCCTTCAGGCCCAGCAAAGAG[A>G]GCAGGAGCTGACACAGAAGATACAGCAAATGGAGGCCCAGCATGACAAAACTGGTAGGTG-3'
Protein context (NP_006633.1, residues 554-574): KAQALQAQQR[Glu564Gly]QELTQKIQQM

ClinVar aggregate classification (germline): Uncertain significance. Review status: criteria provided, multiple submitters, no conflicts (2 of 4 stars). 2 submissions from 2 submitters: Uncertain significance (2). Last evaluated 2024-09-06.

Conditions:
Senior-Loken syndrome 7 (SLSN7). Identifiers: Orphanet 3156, MedGen C3150877, MONDO:0013326, OMIM 613615.
Bardet-Biedl syndrome 16 (BBS16). Identifiers: Orphanet 110, MedGen C3889474, MONDO:0014444, OMIM 615993.

Allele frequency attached by ClinVar (database versions not stated): TOPMed below 0.00001; gnomAD exomes 0.00001; ExAC 0.00002; gnomAD 0.00003.
gnomAD v4.1: 19 of 1,613,704 alleles (0.0012%); highest among the groups gnomAD compares: Non-Finnish European, 0.0015%; no homozygotes.

Submissions (2):

Labcorp Genetics (formerly Invitae), Labcorp
Classification: Uncertain significance for Bardet-Biedl syndrome 16; Senior-Loken syndrome 7. Last evaluated: 2024-09-06. Review status: criteria provided, single submitter. Criteria: Invitae Variant Classification Sherloc (09022015). Collection method: clinical testing. Allele origin: germline.
Comment: This sequence change replaces glutamic acid, which is acidic and polar, with glycine, which is neutral and non-polar, at codon 564 of the SDCCAG8 protein (p.Glu564Gly). This variant is present in population databases (rs762947754, gnomAD 0.004%). This variant has not been reported in the literature in individuals affected with SDCCAG8-related conditions. Invitae Evidence Modeling of protein sequence and biophysical properties (such as structural, functional, and spatial information, amino acid conservation, physicochemical variation, residue mobility, and thermodynamic stability) has been performed for this missense variant. However, the output from this modeling did not meet the statistical confidence thresholds required to predict the impact of this variant on SDCCAG8 protein function. In summary, the available evidence is currently insufficient to determine the role of this variant in disease. Therefore, it has been classified as a Variant of Uncertain Significance.

Fulgent Genetics
Classification: Uncertain significance for Senior-Loken syndrome 7; Bardet-Biedl syndrome 16. Last evaluated: 2024-01-29. Review status: criteria provided, single submitter. Criteria: ACMG Guidelines, 2015. Collection method: clinical testing. Allele origin: germline.